The following is an entry in ClinVar:

ClinVar aggregate classification (germline): Pathogenic (1 of 4 stars; one submission).

Submission:

Labcorp Genetics (formerly Invitae), Labcorp
Classification: Pathogenic. Last evaluated: 2023-04-28. Review status: criteria provided, single submitter. Criteria: Invitae Variant Classification Sherloc (09022015). Collection method: clinical testing. Allele origin: germline.
Comment: This sequence change creates a premature translational stop signal (p.Trp572Cysfs*10) in the VLDLR gene. It is expected to result in an absent or disrupted protein product. Loss-of-function variants in VLDLR are known to be pathogenic (PMID: 18043714, 18326629, 22532556). This variant is not present in population databases (gnomAD no frequency). This variant has not been reported in the literature in individuals affected with VLDLR-related conditions. For these reasons, this variant has been classified as Pathogenic.

Literature cited by the submitters: PubMed 18043714; PubMed 18326629; PubMed 22532556.

NM_003383.5(VLDLR):c.1716del (p.Trp572fs)

Gene: VLDLR (very low density lipoprotein receptor; plus strand). Cytogenetic location: 9p24.2.
Variant type: Deletion.
Coding change: c.1716del on transcript NM_003383.5 (MANE Select); coding-DNA position 1716, one base deleted (G; older notation c.1716delG).
Protein change: p.Trp572fs; shifts the reading frame from tryptophan 572.
Molecular consequence: frameshift variant.
Genome position (GRCh38, 1-based): chr9:2,647,486, G deleted; the last of 2 consecutive G bases (chr9:2,647,485-2,647,486); deleting either gives the same sequence. VCF-style (leftmost placement, unchanged base first): chr9-2647484-TG-T. GRCh37 (hg19) VCF-style: chr9-2647484-TG-T.
Other names: c.1716del, p.Trp572fs (NM_001018056.3); c.1593del, p.Trp531fs (NM_001322225.2, NM_001322226.2); short protein forms W572fs, W531fs.
Identifiers: ClinVar variation 2860356 (VCV002860356.3), dbSNP rs1818126072, ClinGen allele CA1828246420.